The following is an entry in ClinVar:

NM_006206.6(PDGFRA):c.2159_2160del (p.Tyr720fs)

Gene: PDGFRA (platelet derived growth factor receptor alpha; plus strand). Cytogenetic location: 4q12.
Variant type: Deletion.
Coding change: c.2159_2160del on transcript NM_006206.6 (MANE Select); coding-DNA positions 2159 to 2160, 2 bases deleted (AT; older notation c.2159_2160delAT).
Protein change: p.Tyr720fs; shifts the reading frame from tyrosine 720.
Molecular consequence: frameshift variant.
Genome position (GRCh38, 1-based): chr4:54,280,318-54,280,319, AT deleted; deleting any 2 consecutive bases within chr4:54,280,317-54,280,319 gives the same sequence; the c. name uses the placement nearest the transcript's 3' end. VCF-style (leftmost placement, unchanged base first): chr4-54280316-CTA-C. GRCh37 (hg19) VCF-style: chr4-55146483-CTA-C.
Other names: c.2159_2160del, p.Tyr720fs (NM_001347827.2, NM_001347829.2); c.2234_2235del, p.Tyr745fs (NM_001347828.2); c.2198_2199del, p.Tyr733fs (NM_001347830.2); short protein forms Y720fs, Y733fs, Y745fs.
Identifiers: ClinVar variation 4723181 (VCV004723181.1).
Genomic context (GRCh38, chr4:54,280,316, plus strand): 5'-AAGTGGAATGACCACTTCAGAAGGGCACCCTGGGTAAGATTTCTCTTTCTGTTTTTACAG[CTA>C]TGTTATTTTATCTTTTGAAAACAATGGTGACTACATGGACATGAAGCAGGCTGATACTAC-3'

ClinVar aggregate classification (germline): Uncertain significance (1 of 4 stars; one submission).

Conditions:
Gastrointestinal stromal tumor. Also called: Gastrointestinal stromal tumor, somatic; Gastrointestinal stroma tumor. Identifiers: Orphanet 44890, MedGen C0238198, MeSH D046152, MONDO:0011719, OMIM 606764, HP:0100723.

Submission:

Labcorp Genetics (formerly Invitae), Labcorp
Classification: Uncertain significance for Gastrointestinal stromal tumor. Last evaluated: 2025-07-14. Review status: criteria provided, single submitter. Criteria: Invitae Variant Classification Sherloc (09022015). Collection method: clinical testing. Allele origin: germline.
Comment: This sequence change creates a premature translational stop signal (p.Tyr720Cysfs*6) in the PDGFRA gene. It is expected to result in an absent or disrupted protein product. However, the current clinical and genetic evidence is not sufficient to establish whether loss-of-function variants in PDGFRA cause disease. This variant is not present in population databases (gnomAD no frequency). This variant has not been reported in the literature in individuals affected with PDGFRA-related conditions. In summary, the available evidence is currently insufficient to determine the role of this variant in disease. Therefore, it has been classified as a Variant of Uncertain Significance.